The following is an entry in ClinVar:

NM_001009999.3(KDM1A):c.61A>C (p.Thr21Pro)

Gene: KDM1A (lysine demethylase 1A; plus strand). Cytogenetic location: 1p36.12.
Variant type: single nucleotide variant.
Coding change: c.61A>C on transcript NM_001009999.3 (MANE Select); coding-DNA position 61, A replaced by C.
Protein change: p.Thr21Pro; replaces threonine 21 with proline.
Molecular consequence: missense variant.
Genome position (GRCh38, 1-based): chr1:23,019,657, A>C. VCF-style: chr1-23019657-A-C. GRCh37 (hg19) VCF-style: chr1-23346150-A-C.
Other names: c.61A>C, p.Thr21Pro (NM_001363654.2, NM_001410762.1, NM_001410763.1 and 1 more transcripts); short protein forms T21P.
Identifiers: ClinVar variation 3532920 (VCV003532920.1).
Genomic context (GRCh38, chr1:23,019,657, plus strand): 5'-ATGTTATCTGGGAAGAAGGCGGCAGCCGCGGCGGCGGCGGCTGCAGCGGCAGCAACCGGG[A>C]CGGAGGCTGGCCCTGGGACAGCAGGCGGCTCCGAGAACGGGTCTGAGGTGGCCGCGCAGC-3'
Protein context (NP_001009999.1, residues 11-31): AAAAAAAATG[Thr21Pro]EAGPGTAGGS

ClinVar aggregate classification (germline): Uncertain significance (1 of 4 stars; one submission).

Conditions:
Inborn genetic diseases. Identifiers: MedGen C0950123, MeSH D030342.

Submission:

Ambry Genetics
Classification: Uncertain significance for Inborn genetic diseases. Last evaluated: 2024-11-22. Review status: criteria provided, single submitter. Criteria: Ambry Variant Classification Scheme 2023. Collection method: clinical testing. Allele origin: germline.
Comment: The p.T21P variant (also known as c.61A>C), located in coding exon 1 of the KDM1A gene, results from an A to C substitution at nucleotide position 61. The threonine at codon 21 is replaced by proline, an amino acid with highly similar properties. This amino acid position is conserved. In addition, this alteration is predicted to be tolerated by in silico analysis. Based on the available evidence, the clinical significance of this variant remains unclear.